The following is an entry in ClinVar:

NM_005732.4(RAD50):c.2780A>C (p.Glu927Ala)

Gene: RAD50 (RAD50 double strand break repair protein; plus strand). Cytogenetic location: 5q31.1.
Variant type: single nucleotide variant.
Coding change: c.2780A>C on transcript NM_005732.4 (MANE Select); coding-DNA position 2780, A replaced by C.
Protein change: p.Glu927Ala; replaces glutamic acid 927 with alanine.
Molecular consequence: missense variant.
Genome position (GRCh38, 1-based): chr5:132,608,676, A>C. VCF-style: chr5-132608676-A-C. GRCh37 (hg19) VCF-style: chr5-131944368-A-C.
Other names: short protein forms E927A.
Identifiers: ClinVar variation 482150 (VCV000482150.13), dbSNP rs748077241, ClinGen allele CA3405454.
Genomic context (GRCh38, chr5:132,608,676, plus strand): 5'-ATGCTAAAGAGCAGGTAAGCCCTTTGGAAACAACATTGGAAAAGTTCCAGCAAGAAAAAG[A>C]AGAATTAATCAACAAAAAAAATACAAGCAACAAAATAGCACAGGATAAAGTAAGATTTCA-3'
Protein context (NP_005723.2, residues 917-937): TTLEKFQQEK[Glu927Ala]ELINKKNTSN

ClinVar aggregate classification (germline): Uncertain significance. Review status: criteria provided, multiple submitters, no conflicts (2 of 4 stars). 3 submissions from 3 submitters: Uncertain significance (3). Last evaluated 2025-12-24.

Conditions:
Hereditary cancer-predisposing syndrome. Also called: Neoplastic Syndromes, Hereditary; Tumor predisposition; Hereditary Cancer Syndrome; Hereditary neoplastic syndrome. Identifiers: Orphanet 140162, MedGen C0027672, MeSH D009386, MONDO:0015356.
Nijmegen breakage syndrome-like disorder (NBSLD). Also called: MICROCEPHALY AND SPONTANEOUS CHROMOSOME INSTABILITY WITHOUT IMMUNODEFICIENCY; NBS-LIKE DISORDER; RAD50 DEFICIENCY. Identifiers: Orphanet 240760, MedGen C2751318, MONDO:0013118, OMIM 613078.

Allele frequency attached by ClinVar (database versions not stated): gnomAD exomes below 0.00001; ExAC 0.00002; gnomAD 0.00002; TOPMed 0.00002.
gnomAD v4.1: 5 of 1,600,504 alleles (0.00031%); highest among the groups gnomAD compares: African/African-American, 0.0054%; no homozygotes.

Submissions (3):

Labcorp Genetics (formerly Invitae), Labcorp
Classification: Uncertain significance for Hereditary cancer-predisposing syndrome. Last evaluated: 2025-12-24. Review status: criteria provided, single submitter. Criteria: Invitae Variant Classification Sherloc (09022015). Collection method: clinical testing. Allele origin: germline.
Comment: This sequence change replaces glutamic acid, which is acidic and polar, with alanine, which is neutral and non-polar, at codon 927 of the RAD50 protein (p.Glu927Ala). This variant is present in population databases (rs748077241, gnomAD 0.009%). This variant has not been reported in the literature in individuals affected with RAD50-related conditions. ClinVar contains an entry for this variant (Variation ID: 482150). Invitae Evidence Modeling of protein sequence and biophysical properties (such as structural, functional, and spatial information, amino acid conservation, physicochemical variation, residue mobility, and thermodynamic stability) indicates that this missense variant is not expected to disrupt RAD50 protein function with a negative predictive value of 80%. In summary, the available evidence is currently insufficient to determine the role of this variant in disease. Therefore, it has been classified as a Variant of Uncertain Significance.

Ambry Genetics
Classification: Uncertain significance for Hereditary cancer-predisposing syndrome. Last evaluated: 2025-01-19. Review status: criteria provided, single submitter. Criteria: Ambry Variant Classification Scheme 2023. Collection method: clinical testing. Allele origin: germline.
Comment: The p.E927A variant (also known as c.2780A>C), located in coding exon 17 of the RAD50 gene, results from an A to C substitution at nucleotide position 2780. The glutamic acid at codon 927 is replaced by alanine, an amino acid with dissimilar properties. This amino acid position is well conserved in available vertebrate species. In addition, this alteration is predicted to be tolerated by in silico analysis. Since supporting evidence is limited at this time, the clinical significance of this alteration remains unclear.

Baylor Genetics
Classification: Uncertain significance for Nijmegen breakage syndrome-like disorder. Last evaluated: 2023-05-02. Review status: criteria provided, single submitter. Criteria: ACMG Guidelines, 2015. Collection method: clinical testing. Allele origin: unknown.